The following is an entry in ClinVar:

NM_006745.5(MSMO1):c.296A>G (p.Lys99Arg)

Gene: MSMO1 (methylsterol monooxygenase 1; plus strand). Cytogenetic location: 4q32.3.
Variant type: single nucleotide variant.
Coding change: c.296A>G on transcript NM_006745.5 (MANE Select); coding-DNA position 296, A replaced by G.
Protein change: p.Lys99Arg; replaces lysine 99 with arginine.
Molecular consequence: missense variant. On other transcripts: 5 prime UTR variant (1).
Genome position (GRCh38, 1-based): chr4:165,337,829, A>G. VCF-style: chr4-165337829-A-G. GRCh37 (hg19) VCF-style: chr4-166258981-A-G.
Other names: c.-98A>G (NM_001017369.3); short protein forms K99R.
Identifiers: ClinVar variation 742157 (VCV000742157.33), dbSNP rs141811636, ClinGen allele CA3129949.

ClinVar aggregate classification (germline): Benign/Likely benign. Review status: criteria provided, multiple submitters, no conflicts (2 of 4 stars). 2 submissions from 2 submitters: Benign (1); Likely benign (1). Last evaluated 2026-01-14.

Allele frequency attached by ClinVar (database versions not stated): 1000 Genomes Project 0.00060; 1000 Genomes Project 30x 0.00062; TOPMed 0.00082; ESP Exome Variant Server 0.00146; ExAC 0.00292; gnomAD 0.00297 and 0.00316; gnomAD exomes 0.00308.
gnomAD v4.1: 3,232 of 1,613,670 alleles (0.2%); highest among the groups gnomAD compares: Non-Finnish European, 0.16%; 12 homozygotes.

Submissions (2):

Labcorp Genetics (formerly Invitae), Labcorp
Classification: Benign. Last evaluated: 2026-01-14. Review status: criteria provided, single submitter. Criteria: Invitae Variant Classification Sherloc (09022015). Collection method: clinical testing. Allele origin: germline.

CeGaT Center for Human Genetics Tuebingen
Classification: Likely benign. Last evaluated: 2022-11-01. Review status: criteria provided, single submitter. Criteria: CeGaT Center For Human Genetics Tuebingen Variant Classification Criteria Version 2. Collection method: clinical testing. Allele origin: germline. Affected: yes. Observed: 1 variant allele.
Comment: MSMO1: BP4, BS2